The following is an entry in ClinVar:

ClinVar aggregate classification (germline): Benign/Likely benign. Review status: criteria provided, multiple submitters, no conflicts (2 of 4 stars). 12 submissions from 12 submitters: Benign (3); Likely benign (5). 4 of the submissions do not count toward it. Last evaluated 2026-07-01.

Conditions:
Polycystic kidney disease, adult type (PKD1). Also called: POLYCYSTIC KIDNEY DISEASE, ADULT, TYPE I; Polycystic Kidney, Autosomal Dominant; Polycystic Kidney Disease 1, Autosomal Dominant; Polycystic kidney disease 1; Polycystic kidney disease 1, severe; POLYCYSTIC KIDNEY DISEASE 1 WITH OR WITHOUT POLYCYSTIC LIVER DISEASE. Identifiers: MedGen C3149841, MONDO:0008263, OMIM 173900.
Polycystic kidney disease. Also called: Kidney, Polycystic; Polycystic kidney dysplasia. Identifiers: MedGen C0022680, MeSH D007690, MONDO:0020642, HP:0000113.

Allele frequency attached by ClinVar (database versions not stated): 1000 Genomes Project 30x 0.00078; 1000 Genomes Project 0.00100; gnomAD exomes 0.00115 and 0.00192; TOPMed 0.00123; gnomAD 0.00144 and 0.00145; ExAC 0.00167.

Submissions (12):

CeGaT Center for Human Genetics Tuebingen
Classification: Likely benign. Last evaluated: 2026-07-01. Review status: criteria provided, single submitter. Criteria: CeGaT Center For Human Genetics Tuebingen Variant Classification Criteria Version 2. Collection method: clinical testing. Allele origin: germline. Affected: yes. Observed: 2 variant alleles.
Comment: PKD1: BP4, BP7

Women's Health and Genetics/Laboratory Corporation of America, LabCorp
Classification: Likely benign. Last evaluated: 2025-04-25. Review status: criteria provided, single submitter. Criteria: LabCorp Variant Classification Summary - May 2015. Collection method: clinical testing. Allele origin: germline.

Blueprint Genetics
Classification: Likely benign. Last evaluated: 2024-11-07. Review status: criteria provided, single submitter. Criteria: ACMG Guidelines, 2015. Collection method: clinical testing. Allele origin: germline.

GeneDx
Classification: Likely benign. Last evaluated: 2020-10-09. Review status: criteria provided, single submitter. Criteria: GeneDx Variant Classification Process June 2021. Collection method: clinical testing. Allele origin: germline. Affected: yes.
Comment: This variant is associated with the following publications: (PMID: 22008521, 22383692)

Athena Diagnostics
Classification: Benign. Last evaluated: 2020-02-04. Review status: criteria provided, single submitter. Criteria: Athena Diagnostics Criteria. Collection method: clinical testing. Allele origin: unknown.

ARUP Laboratories, Molecular Genetics and Genomics, ARUP Laboratories
Classification: Benign for Polycystic kidney disease, adult type. Last evaluated: 2019-04-19. Review status: criteria provided, single submitter. Criteria: ARUP Molecular Germline Variant Investigation Process. Collection method: clinical testing. Allele origin: germline.

Breakthrough Genomics
Classification: Likely benign. Review status: criteria provided, single submitter. Criteria: ACMG Guidelines, 2015. Collection method: not provided. Allele origin: germline. Inheritance: Autosomal dominant inheritance. Affected: yes.

PreventionGenetics, part of Exact Sciences
Classification: Benign. Review status: criteria provided, single submitter. Criteria: ACMG Guidelines, 2015. Collection method: clinical testing. Allele origin: germline.

Clinical Genetics DNA and cytogenetics Diagnostics Lab, Erasmus MC, Erasmus Medical Center
Classification: Likely benign. Review status: no assertion criteria provided. Collection method: clinical testing. Allele origin: germline. Affected: yes. Study: VKGL Data-share Consensus. Not counted in ClinVar's aggregate classification.

Department of Pathology and Laboratory Medicine, Sinai Health System
Classification: Likely benign for Polycystic Kidney disease. Review status: no assertion criteria provided. Collection method: clinical testing. Allele origin: unknown. Affected: yes. Study: The Canadian Open Genetics Repository (COGR). Not counted in ClinVar's aggregate classification.
Comment: The PKD1 p.Ala745Ala variant was identified in 3 of 534 proband chromosomes (frequency: 0.006) from individuals or families with ADPKD, however both of these studies identified the variant as a polymorphism (Bataille 2011, Rossetti 2012). The variant was also identified in dbSNP (ID: rs533569454) as â€šÃ„ÃºNAâ€šÃ„Ã¹, the ADPKD Mutation Database (as likely neutral), the 1000 Genomes Project in 5 of 5000 chromosomes (frequency: 0.001), and the Exome Aggregation Consortium database (March 14, 2016) in 17 of 10152 chromosomes (freq. 0.001675) in the following populations: South Asian in 12 of 6074 chromosomes (freq. 0.001976), European (Non-Finnish) in 5 of 3058 chromosomes (freq. 0.001635), but was not seen in African, East Asian, European (Finnish), or Latino populations, increasing the likelihood this could be a low frequency benign variant. However we cannot be certain that data from control databases is specific to PKD1 and not from one of the six PKD1 pseudogenes. The variant was not found in the Clinvitae, ClinVar, GeneInsight COGR, MutDB, PKD1-LOVD, and PKD1-LOVD 3.0 databases. The p.Ala745Ala variant is not expected to have clinical significance because it does not result in a change of amino acid and is not located in a known consensus splice site. Futher more in silico or computational prediction software programs (SpliceSiteFinder, MaxEntScan, NNSPLICE, GeneSplicer, HumanSpliceFinder) do not predict a difference in splicing. In summary, based on the above information, the clinical significance of this variant cannot be determined with certainty at this time although we would lean towards a more benign role for this variant. This variant is classified as likely benign.

Genome Diagnostics Laboratory, University Medical Center Utrecht
Classification: Likely benign. Review status: no assertion criteria provided. Collection method: clinical testing. Allele origin: germline. Affected: yes. Study: VKGL Data-share Consensus. Not counted in ClinVar's aggregate classification.

Laboratory of Diagnostic Genome Analysis, Leiden University Medical Center (LUMC)
Classification: Likely benign. Review status: no assertion criteria provided. Collection method: clinical testing. Allele origin: germline. Affected: yes. Study: VKGL Data-share Consensus. Not counted in ClinVar's aggregate classification.

NM_001009944.3(PKD1):c.2235C>G (p.Ala745=)

Gene: PKD1 (polycystin 1, transient receptor potential channel interacting; minus strand). Cytogenetic location: 16p13.3.
Variant type: single nucleotide variant.
Coding change: c.2235C>G on transcript NM_001009944.3 (MANE Select); coding-DNA position 2235, C replaced by G.
Protein change: p.Ala745=; no amino-acid change (alanine 745 retained).
Molecular consequence: synonymous variant.
Genome position (GRCh38, 1-based): chr16:2,114,788, G>C on the plus strand (C>G on the coding strand, the complement: PKD1 is on the minus strand). VCF-style: chr16-2114788-G-C. GRCh37 (hg19) VCF-style: chr16-2164789-G-C.
Other names: c.2235C>G, p.Ala745= (NM_000296.4).
Identifiers: ClinVar variation 256932 (VCV000256932.45), dbSNP rs533569454, ClinGen allele CA7833252.